The following is an entry in ClinVar:

NM_000199.5(SGSH):c.1079C>A (p.Thr360Asn)

Gene: SGSH (N-sulfoglucosamine sulfohydrolase; minus strand). Cytogenetic location: 17q25.3.
Variant type: single nucleotide variant.
Coding change: c.1079C>A on transcript NM_000199.5 (MANE Select); coding-DNA position 1079, C replaced by A.
Protein change: p.Thr360Asn; replaces threonine 360 with asparagine.
Molecular consequence: missense variant. On other transcripts: 3 prime UTR variant (2), non-coding transcript variant (1).
Genome position (GRCh38, 1-based): chr17:80,210,882, G>T on the plus strand (C>A on the coding strand, the complement: SGSH is on the minus strand). VCF-style: chr17-80210882-G-T. GRCh37 (hg19) VCF-style: chr17-78184681-G-T.
Other names: c.*166C>A (NM_001352921.3); c.*129C>A (NM_001352922.2); short protein forms T360N.
Identifiers: ClinVar variation 1718667 (VCV001718667.5), dbSNP rs2510860564, ClinGen allele CA401359191.

ClinVar aggregate classification (germline): Uncertain significance (1 of 4 stars; one submission).

Conditions:
Mucopolysaccharidosis, MPS-III-A (MPS3A). Also called: Mucopolysaccharidosis type IIIA (Sanfilippo A); HEPARAN SULFATE SULFATASE DEFICIENCY; SANFILIPPO SYNDROME A; SULFAMIDASE DEFICIENCY; MPS III A; MUCOPOLYSACCHARIDOSIS, TYPE IIIA, ATTENUATED. Identifiers: Orphanet 581, Orphanet 79269, MedGen C0086647, MONDO:0009655, OMIM 252900.

Submission:

Labcorp Genetics (formerly Invitae), Labcorp
Classification: Uncertain significance for Mucopolysaccharidosis, MPS-III-A. Last evaluated: 2026-01-26. Review status: criteria provided, single submitter. Criteria: Invitae Variant Classification Sherloc (09022015). Collection method: clinical testing. Allele origin: germline.
Comment: This sequence change replaces threonine, which is neutral and polar, with asparagine, which is neutral and polar, at codon 360 of the SGSH protein (p.Thr360Asn). This variant is not present in population databases (gnomAD no frequency). This variant has not been reported in the literature in individuals affected with SGSH-related conditions. ClinVar contains an entry for this variant (Variation ID: 1718667). Invitae Evidence Modeling of protein sequence and biophysical properties (such as structural, functional, and spatial information, amino acid conservation, physicochemical variation, residue mobility, and thermodynamic stability) has been performed for this missense variant. However, the output from this modeling did not meet the statistical confidence thresholds required to predict the impact of this variant on SGSH protein function. In summary, the available evidence is currently insufficient to determine the role of this variant in disease. Therefore, it has been classified as a Variant of Uncertain Significance.